The following is an entry in ClinVar:

ClinVar aggregate classification (germline): Benign/Likely benign. Review status: criteria provided, multiple submitters, no conflicts (2 of 4 stars). 5 submissions from 5 submitters: Benign (1); Likely benign (2). 2 of the submissions do not count toward it. Last evaluated 2026-01-28.

Conditions:
Bartter syndrome. Identifiers: Orphanet 112, MedGen C0004775, MONDO:0015231.
BSND-related disorder. Also called: BSND-related condition.

Allele frequency attached by ClinVar (database versions not stated): 1000 Genomes Project 0.00020; ESP Exome Variant Server 0.00023; 1000 Genomes Project 30x 0.00031; TOPMed 0.00036; ExAC 0.00044; gnomAD exomes 0.00049; gnomAD 0.00051 and 0.00053.

Submissions (5):

Labcorp Genetics (formerly Invitae), Labcorp
Classification: Benign. Last evaluated: 2026-01-28. Review status: criteria provided, single submitter. Criteria: Invitae Variant Classification Sherloc (09022015). Collection method: clinical testing. Allele origin: germline.

CeGaT Center for Human Genetics Tuebingen
Classification: Likely benign. Last evaluated: 2025-12-01. Review status: criteria provided, single submitter. Criteria: CeGaT Center For Human Genetics Tuebingen Variant Classification Criteria Version 2. Collection method: clinical testing. Allele origin: germline. Affected: yes. Observed: 1 variant allele.
Comment: BSND: BP4, BP7

Blueprint Genetics
Classification: Likely benign. Last evaluated: 2024-11-11. Review status: criteria provided, single submitter. Criteria: ACMG Guidelines, 2015. Collection method: clinical testing. Allele origin: germline.

Natera, Inc.
Classification: Uncertain significance for Bartter syndrome. Last evaluated: 2020-01-24. Review status: no assertion criteria provided. Collection method: clinical testing. Allele origin: germline. Not counted in ClinVar's aggregate classification.

PreventionGenetics, part of Exact Sciences
Classification: Likely benign for BSND-related condition. Last evaluated: 2019-06-10. Review status: no assertion criteria provided. Collection method: clinical testing. Allele origin: germline. Not counted in ClinVar's aggregate classification.
Comment: This variant is classified as likely benign based on ACMG/AMP sequence variant interpretation guidelines (Richards et al. 2015 PMID: 25741868, with internal and published modifications).

NM_057176.3(BSND):c.141G>C (p.Gly47=)

Gene: BSND (barttin CLCNK type accessory subunit beta; plus strand). Cytogenetic location: 1p32.3.
Variant type: single nucleotide variant.
Coding change: c.141G>C on transcript NM_057176.3 (MANE Select); coding-DNA position 141, G replaced by C.
Protein change: p.Gly47=; no amino-acid change (glycine 47 retained).
Molecular consequence: synonymous variant.
Genome position (GRCh38, 1-based): chr1:54,999,327, G>C. VCF-style: chr1-54999327-G-C. GRCh37 (hg19) VCF-style: chr1-55465000-G-C.
Identifiers: ClinVar variation 722781 (VCV000722781.20), dbSNP rs76222905, ClinGen allele CA871228.
Genomic context (GRCh38, chr1:54,999,327, plus strand): 5'-CCATGATCGGCCCCAGGTCTACGGCACCTTCTATGCCATGGGCAGCGTCATGGTGATCGG[G>C]GGCATCATCTGGAGCATGTGCCAGTGCTACCCCAAGGTAGGTGGTAGTGGGGCTGGGTGG-3'
Protein context (NP_476517.1, residues 37-57): FYAMGSVMVI[Gly47=]GIIWSMCQCY